The following is an entry in ClinVar:

NM_001378030.1(CCDC78):c.1102G>A (p.Gly368Arg)

Gene: CCDC78 (coiled-coil domain containing 78; minus strand). Cytogenetic location: 16p13.3.
Variant type: single nucleotide variant.
Coding change: c.1102G>A on transcript NM_001378030.1 (MANE Select); coding-DNA position 1102, G replaced by A.
Protein change: p.Gly368Arg; replaces glycine 368 with arginine.
Molecular consequence: missense variant. On other transcripts: non-coding transcript variant (5), intron variant (1).
Genome position (GRCh38, 1-based): chr16:723,888, C>T on the plus strand (G>A on the coding strand, the complement: CCDC78 is on the minus strand). VCF-style: chr16-723888-C-T. GRCh37 (hg19) VCF-style: chr16-773888-C-T.
Other names: c.1102G>A, p.Gly368Arg (NM_001031737.3); c.535G>A, p.Gly179Arg (NM_001378033.1); c.953+434G>A (NM_001378031.1); short protein forms G179R, G368R.
Identifiers: ClinVar variation 3615152 (VCV003615152.2).

ClinVar aggregate classification (germline): Uncertain significance (1 of 4 stars; one submission).

Conditions:
Congenital myopathy with internal nuclei and atypical cores. Also called: Myopathy, centronuclear, 4. Identifiers: Orphanet 319160, MedGen C4707232, MONDO:0013890, OMIM 614807.

gnomAD v4.1: 2 of 1,598,732 alleles (0.00013%); highest among the groups gnomAD compares: African/African-American, 0.0027%; no homozygotes.

Submission:

Labcorp Genetics (formerly Invitae), Labcorp
Classification: Uncertain significance for Congenital myopathy with internal nuclei and atypical cores. Last evaluated: 2024-12-17. Review status: criteria provided, single submitter. Criteria: Invitae Variant Classification Sherloc (09022015). Collection method: clinical testing. Allele origin: germline.
Comment: This sequence change replaces glycine, which is neutral and non-polar, with arginine, which is basic and polar, at codon 368 of the CCDC78 protein (p.Gly368Arg). This variant is present in population databases (no rsID available, gnomAD 0.01%). This variant has not been reported in the literature in individuals affected with CCDC78-related conditions. Invitae Evidence Modeling of protein sequence and biophysical properties (such as structural, functional, and spatial information, amino acid conservation, physicochemical variation, residue mobility, and thermodynamic stability) indicates that this missense variant is not expected to disrupt CCDC78 protein function with a negative predictive value of 80%. Algorithms developed to predict the effect of sequence changes on RNA splicing suggest that this variant may disrupt the consensus splice site. In summary, the available evidence is currently insufficient to determine the role of this variant in disease. Therefore, it has been classified as a Variant of Uncertain Significance.